The following is an entry in ClinVar:

NM_014391.3(ANKRD1):c.944G>T (p.Arg315Leu)

Gene: ANKRD1 (ankyrin repeat domain 1; minus strand). Cytogenetic location: 10q23.31.
Variant type: single nucleotide variant.
Coding change: c.944G>T on transcript NM_014391.3 (MANE Select); coding-DNA position 944, G replaced by T.
Protein change: p.Arg315Leu; replaces arginine 315 with leucine.
Molecular consequence: missense variant.
Genome position (GRCh38, 1-based): chr10:90,912,882, C>A on the plus strand (G>T on the coding strand, the complement: ANKRD1 is on the minus strand). VCF-style: chr10-90912882-C-A. GRCh37 (hg19) VCF-style: chr10-92672639-C-A.
Other names: short protein forms R315L.
Identifiers: ClinVar variation 571909 (VCV000571909.8), dbSNP rs746392266, ClinGen allele CA5598563.
Genomic context (GRCh38, chr10:90,912,882, plus strand): 5'-AAAATGCCAGTGAACATTTACTGATTAAGAGTCTGTCGTTTGCCTCAGAATGTAGCTATG[C>A]GAGAGGTCTTGTAGGAGTTCTCTCTGAGGCTGTCGAATATTGCTTTGGTTCCATTCTGCC-3'
Protein context (NP_055206.2, residues 305-319): SLRENSYKTS[Arg315Leu]IATF

ClinVar aggregate classification (germline): Uncertain significance (1 of 4 stars; one submission).

Conditions:
ANKRD1-related dilated cardiomyopathy. Identifiers: MedGen CN119551.

Submission:

Labcorp Genetics (formerly Invitae), Labcorp
Classification: Uncertain significance for ANKRD1-related dilated cardiomyopathy. Last evaluated: 2018-05-18. Review status: criteria provided, single submitter. Criteria: Invitae Variant Classification Sherloc (09022015). Collection method: clinical testing. Allele origin: germline.
Comment: In summary, the available evidence is currently insufficient to determine the role of this variant in disease. Therefore, it has been classified as a Variant of Uncertain Significance. Algorithms developed to predict the effect of missense changes on protein structure and function (SIFT, PolyPhen-2, Align-GVGD) all suggest that this variant is likely to be tolerated, but these predictions have not been confirmed by published functional studies and their clinical significance is uncertain. This variant has not been reported in the literature in individuals with ANKRD1-related disease. This variant is present in population databases (rs746392266, ExAC 0.003%). This sequence change replaces arginine with leucine at codon 315 of the ANKRD1 protein (p.Arg315Leu). The arginine residue is weakly conserved and there is a moderate physicochemical difference between arginine and leucine.